The following is an entry in ClinVar:

ClinVar aggregate classification (germline): Benign/Likely benign. Review status: criteria provided, multiple submitters, no conflicts (2 of 4 stars). 4 submissions from 3 submitters: Benign (3); Likely benign (1). Last evaluated 2025-10-19.

Conditions:
Perry syndrome. Also called: PARKINSONISM WITH ALVEOLAR HYPOVENTILATION AND MENTAL DEPRESSION. Identifiers: Orphanet 178509, MedGen C1868594, MONDO:0008201, OMIM 168605.
Neuronopathy, distal hereditary motor, type 7B. Also called: HMN VIIB; LOWER MOTOR NEURON DISEASE, DYNACTIN TYPE; NEURONOPATHY, DISTAL HEREDITARY MOTOR, AUTOSOMAL DOMINANT 14; NEURONOPATHY, DISTAL HEREDITARY MOTOR, HARDING TYPE VIIB; NEUROPATHY, DISTAL HEREDITARY MOTOR, HARDING TYPE VIIB; NEUROPATHY, DISTAL HEREDITARY MOTOR, WITH VOCAL CORD PARALYSIS, HARDING TYPE VIIB. Identifiers: Orphanet 139589, MedGen C1843315, MONDO:0011879, OMIM 607641.
Amyotrophic lateral sclerosis type 1 (ALS1). Also called: AMYOTROPHIC LATERAL SCLEROSIS 1, FAMILIAL. Identifiers: Orphanet 803, MedGen C1862939, MONDO:0007103, OMIM 105400.
Inborn genetic diseases. Identifiers: MedGen C0950123, MeSH D030342.

Allele frequency attached by ClinVar (database versions not stated): gnomAD below 0.00001 and 0.00003; 1000 Genomes Project 0.00060; 1000 Genomes Project 30x 0.00062.
gnomAD v4.1: 90 of 1,614,108 alleles (0.0056%); highest among the groups gnomAD compares: South Asian, 0.087%; 1 homozygote.

Submissions (4):

Labcorp Genetics (formerly Invitae), Labcorp
Classification: Benign for Amyotrophic lateral sclerosis type 1; Neuronopathy, distal hereditary motor, type 7B; Perry syndrome. Last evaluated: 2025-10-19. Review status: criteria provided, single submitter. Criteria: Invitae Variant Classification Sherloc (09022015). Collection method: clinical testing. Allele origin: germline.

Ambry Genetics
Classification: Likely benign for Inborn genetic diseases. Last evaluated: 2019-07-11. Review status: criteria provided, single submitter. Criteria: Ambry Variant Classification Scheme 2023. Collection method: clinical testing. Allele origin: germline.

Illumina Laboratory Services, Illumina
Classification: Benign for Neuronopathy, distal hereditary motor, type 7B. Last evaluated: 2018-01-13. Review status: criteria provided, single submitter. Criteria: ICSL Variant Classification Criteria 13 December 2019. Collection method: clinical testing. Allele origin: germline.
Comment: This variant was observed in the ICSL laboratory as part of a predisposition screen in an ostensibly healthy population. It had not been previously curated by ICSL or reported in the Human Gene Mutation Database (HGMD: prior to June 1st, 2018), and was therefore a candidate for classification through an automated scoring system. Utilizing variant allele frequency, disease prevalence and penetrance estimates, and inheritance mode, an automated score was calculated to assess if this variant is too frequent to cause the disease. Based on the score and internal cut-off values, a variant classified as benign is not then subjected to further curation. The score for this variant resulted in a classification of benign for this disease.

Illumina Laboratory Services, Illumina
Classification: Benign for Perry syndrome. Last evaluated: 2018-01-13. Review status: criteria provided, single submitter. Criteria: ICSL Variant Classification Criteria 13 December 2019. Collection method: clinical testing. Allele origin: germline.
Comment: the same text as in the submission from Illumina Laboratory Services, Illumina above.

NM_004082.5(DCTN1):c.810C>G (p.Ala270=)

Gene: DCTN1 (dynactin subunit 1; minus strand). Cytogenetic location: 2p13.1.
Variant type: single nucleotide variant.
Coding change: c.810C>G on transcript NM_004082.5 (MANE Select); coding-DNA position 810, C replaced by G.
Protein change: p.Ala270=; no amino-acid change (alanine 270 retained).
Molecular consequence: synonymous variant. On other transcripts: non-coding transcript variant (1).
Genome position (GRCh38, 1-based): chr2:74,371,012, G>C on the plus strand (C>G on the coding strand, the complement: DCTN1 is on the minus strand). VCF-style: chr2-74371012-G-C. GRCh37 (hg19) VCF-style: chr2-74598139-G-C.
Other names: c.750C>G, p.Ala250= (NM_001135040.3); c.408C>G, p.Ala136= (NM_001135041.3, NM_023019.4); c.699C>G, p.Ala233= (NM_001190836.2); c.789C>G, p.Ala263= (NM_001190837.2); c.759C>G, p.Ala253= (NM_001378991.1); c.741C>G, p.Ala247= (NM_001378992.1).
Identifiers: ClinVar variation 337093 (VCV000337093.14), dbSNP rs569011011, ClinGen allele CA1722322.